The following is an entry in ClinVar:

ClinVar aggregate classification (germline): Uncertain significance (1 of 4 stars; one submission).

Conditions:
LAMA2-related muscular dystrophy (LAMA2-RD). Also called: Laminin alpha 2-related dystrophy. Identifiers: MedGen C5679788, MONDO:0100228.

Allele frequency attached by ClinVar (database versions not stated): ESP Exome Variant Server 0.00008.
gnomAD v4.1: 3 of 1,613,550 alleles (0.00019%); highest among the groups gnomAD compares: African/African-American, 0.0013%; no homozygotes.

Submission:

Labcorp Genetics (formerly Invitae), Labcorp
Classification: Uncertain significance for LAMA2-related muscular dystrophy. Last evaluated: 2022-05-21. Review status: criteria provided, single submitter. Criteria: Invitae Variant Classification Sherloc (09022015). Collection method: clinical testing. Allele origin: germline.
Comment: This sequence change replaces alanine, which is neutral and non-polar, with glutamic acid, which is acidic and polar, at codon 912 of the LAMA2 protein (p.Ala912Glu). This variant is not present in population databases (gnomAD no frequency). This variant has not been reported in the literature in individuals affected with LAMA2-related conditions. Advanced modeling of protein sequence and biophysical properties (such as structural, functional, and spatial information, amino acid conservation, physicochemical variation, residue mobility, and thermodynamic stability) performed at Invitae indicates that this missense variant is not expected to disrupt LAMA2 protein function. In summary, the available evidence is currently insufficient to determine the role of this variant in disease. Therefore, it has been classified as a Variant of Uncertain Significance.

NM_000426.4(LAMA2):c.2735C>A (p.Ala912Glu)

Gene: LAMA2 (laminin subunit alpha 2; plus strand). Cytogenetic location: 6q22.33.
Variant type: single nucleotide variant.
Coding change: c.2735C>A on transcript NM_000426.4 (MANE Select); coding-DNA position 2735, C replaced by A.
Protein change: p.Ala912Glu; replaces alanine 912 with glutamic acid.
Molecular consequence: missense variant.
Genome position (GRCh38, 1-based): chr6:129,288,044, C>A. VCF-style: chr6-129288044-C-A. GRCh37 (hg19) VCF-style: chr6-129609189-C-A.
Other names: c.2735C>A, p.Ala912Glu (NM_001079823.2); short protein forms A912E.
Identifiers: ClinVar variation 2165635 (VCV002165635.1), dbSNP rs376580266, ClinGen allele CA146892805.